The following is an entry in ClinVar:

ClinVar aggregate classification (germline): Conflicting classifications of pathogenicity. Review status: criteria provided, conflicting classifications (1 of 4 stars). 4 submissions from 4 submitters: Uncertain significance (1); Likely benign (2). 1 of the submissions does not count toward it. Last evaluated 2025-09-01.

Conditions:
Neurodevelopmental disorder with absent language and variable seizures. Also called: ITO-RAYMOND SYNDROME. Identifiers: MedGen C5231469, MONDO:0032876, OMIM 618707.
WASF1-related disorder. Also called: WASF1-related condition.

Allele frequency attached by ClinVar (database versions not stated): 1000 Genomes Project 30x 0.00078; 1000 Genomes Project 0.00080; TOPMed 0.00087; ExAC 0.00107; gnomAD 0.00107; ESP Exome Variant Server 0.00108; gnomAD exomes 0.00139.
gnomAD v4.1: 2,176 of 1,614,180 alleles (0.13%); highest among the groups gnomAD compares: Middle Eastern, 0.97%; 7 homozygotes.

Submissions (4):

CeGaT Center for Human Genetics Tuebingen
Classification: Likely benign. Last evaluated: 2025-09-01. Review status: criteria provided, single submitter. Criteria: CeGaT Center For Human Genetics Tuebingen Variant Classification Criteria Version 2. Collection method: clinical testing. Allele origin: germline. Affected: yes. Observed: 3 variant alleles.
Comment: WASF1: BS1

Blueprint Genetics
Classification: Likely benign. Last evaluated: 2024-11-19. Review status: criteria provided, single submitter. Criteria: ACMG Guidelines, 2015. Collection method: clinical testing. Allele origin: germline.

Fulgent Genetics
Classification: Uncertain significance for Neurodevelopmental disorder with absent language and variable seizures. Last evaluated: 2024-01-19. Review status: criteria provided, single submitter. Criteria: ACMG Guidelines, 2015. Collection method: clinical testing. Allele origin: germline.

PreventionGenetics, part of Exact Sciences
Classification: Likely benign for WASF1-related condition. Last evaluated: 2022-10-24. Review status: no assertion criteria provided. Collection method: clinical testing. Allele origin: germline. Not counted in ClinVar's aggregate classification.
Comment: This variant is classified as likely benign based on ACMG/AMP sequence variant interpretation guidelines (Richards et al. 2015 PMID: 25741868, with internal and published modifications).

NM_003931.3(WASF1):c.1382C>T (p.Thr461Ile)

Gene: WASF1 (WASP family member 1; minus strand). Cytogenetic location: 6q21.
Variant type: single nucleotide variant.
Coding change: c.1382C>T on transcript NM_003931.3 (MANE Select); coding-DNA position 1382, C replaced by T.
Protein change: p.Thr461Ile; replaces threonine 461 with isoleucine.
Molecular consequence: missense variant.
Genome position (GRCh38, 1-based): chr6:110,101,728, G>A on the plus strand (C>T on the coding strand, the complement: WASF1 is on the minus strand). VCF-style: chr6-110101728-G-A. GRCh37 (hg19) VCF-style: chr6-110422931-G-A.
Other names: c.1382C>T, p.Thr461Ile (NM_001024934.2, NM_001024935.2, NM_001024936.2); c.1382C>T (NM_003931.2); short protein forms T461I.
Identifiers: ClinVar variation 2656838 (VCV002656838.27), dbSNP rs142151316, ClinGen allele CA3956813.